The following is an entry in ClinVar:

NM_022552.5(DNMT3A):c.1031T>C (p.Leu344Pro)

Gene: DNMT3A (DNA methyltransferase 3 alpha; minus strand). Cytogenetic location: 2p23.3.
Variant type: single nucleotide variant.
Coding change: c.1031T>C on transcript NM_022552.5 (MANE Select); coding-DNA position 1031, T replaced by C.
Protein change: p.Leu344Pro; replaces leucine 344 with proline.
Molecular consequence: missense variant. On other transcripts: non-coding transcript variant (1).
Genome position (GRCh38, 1-based): chr2:25,247,142, A>G on the plus strand (T>C on the coding strand, the complement: DNMT3A is on the minus strand). VCF-style: chr2-25247142-A-G. GRCh37 (hg19) VCF-style: chr2-25470011-A-G.
Other names: c.575T>C, p.Leu192Pro (NM_001320893.1); c.362T>C, p.Leu121Pro (NM_001375819.1); c.464T>C, p.Leu155Pro (NM_153759.3); c.1031T>C, p.Leu344Pro (NM_175629.2); short protein forms L121P, L155P, L192P, L344P.
Identifiers: ClinVar variation 3627232 (VCV003627232.2).
Genomic context (GRCh38, chr2:25,247,142, plus strand): 5'-ATGGGCTGCTTGTTGTACGTGGCCTGGTGGAACGCACTGCAAAACGAGCTCAGCGGCATC[A>G]GCTTCTCAACACACACCTGGGGGGACAAGCCAGGCCTTGTTTGCCGAGGCTTACACTTGC-3'
Protein context (NP_072046.2, residues 334-354): GKFSVVCVEK[Leu344Pro]MPLSSFCSAF

ClinVar aggregate classification (germline): Uncertain significance (1 of 4 stars; one submission).

Conditions:
Tatton-Brown-Rahman overgrowth syndrome. Also called: Tall stature-intellectual disability-facial dysmorphism syndrome; Tatton-Brown-Rahman syndrome. Identifiers: Orphanet 404443, MedGen C4014545, MONDO:0014382, OMIM 615879.

gnomAD v4.1: 13 of 1,613,854 alleles (0.00081%); highest among the groups gnomAD compares: Non-Finnish European, 0.0011%; no homozygotes.

Submission:

Labcorp Genetics (formerly Invitae), Labcorp
Classification: Uncertain significance for Tatton-Brown-Rahman overgrowth syndrome. Last evaluated: 2024-09-06. Review status: criteria provided, single submitter. Criteria: Invitae Variant Classification Sherloc (09022015). Collection method: clinical testing. Allele origin: germline.
Comment: This sequence change replaces leucine, which is neutral and non-polar, with proline, which is neutral and non-polar, at codon 344 of the DNMT3A protein (p.Leu344Pro). The frequency data for this variant in the population databases is considered unreliable, as metrics indicate poor data quality at this position in the gnomAD database. This variant has not been reported in the literature in individuals affected with DNMT3A-related conditions. Invitae Evidence Modeling of protein sequence and biophysical properties (such as structural, functional, and spatial information, amino acid conservation, physicochemical variation, residue mobility, and thermodynamic stability) indicates that this missense variant is expected to disrupt DNMT3A protein function with a positive predictive value of 80%. In summary, the available evidence is currently insufficient to determine the role of this variant in disease. Therefore, it has been classified as a Variant of Uncertain Significance.